The following is an entry in ClinVar:

ClinVar aggregate classification (germline): Uncertain significance (1 of 4 stars; one submission).

Conditions:
Autosomal recessive severe congenital neutropenia due to CSF3R deficiency. Also called: Neutropenia, severe congenital, 7, autosomal recessive. Identifiers: Orphanet 420702, MedGen C4310764, MONDO:0014865, OMIM 617014.

Submission:

Labcorp Genetics (formerly Invitae), Labcorp
Classification: Uncertain significance for Autosomal recessive severe congenital neutropenia due to CSF3R deficiency. Last evaluated: 2023-04-24. Review status: criteria provided, single submitter. Criteria: Invitae Variant Classification Sherloc (09022015). Collection method: clinical testing. Allele origin: germline.
Comment: In summary, the available evidence is currently insufficient to determine the role of this variant in disease. Therefore, it has been classified as a Variant of Uncertain Significance. Advanced modeling of protein sequence and biophysical properties (such as structural, functional, and spatial information, amino acid conservation, physicochemical variation, residue mobility, and thermodynamic stability) has been performed at Invitae for this missense variant, however the output from this modeling did not meet the statistical confidence thresholds required to predict the impact of this variant on CSF3R protein function. ClinVar contains an entry for this variant (Variation ID: 2003428). This variant has not been reported in the literature in individuals affected with CSF3R-related conditions. This variant is not present in population databases (gnomAD no frequency). This sequence change replaces glycine, which is neutral and non-polar, with alanine, which is neutral and non-polar, at codon 757 of the CSF3R protein (p.Gly757Ala).

NM_000760.4(CSF3R):c.2270G>C (p.Gly757Ala)

Gene: CSF3R (colony stimulating factor 3 receptor; minus strand). Cytogenetic location: 1p34.3.
Variant type: single nucleotide variant.
Coding change: c.2270G>C on transcript NM_000760.4 (MANE Select); coding-DNA position 2270, G replaced by C.
Protein change: p.Gly757Ala; replaces glycine 757 with alanine.
Molecular consequence: missense variant. On other transcripts: intron variant (1).
Genome position (GRCh38, 1-based): chr1:36,466,598, C>G on the plus strand (G>C on the coding strand, the complement: CSF3R is on the minus strand). VCF-style: chr1-36466598-C-G. GRCh37 (hg19) VCF-style: chr1-36932199-C-G.
Other names: c.2351G>C, p.Gly784Ala (NM_156039.3); c.2247+23G>C (NM_172313.3); short protein forms G784A, G757A.
Identifiers: ClinVar variation 2003428 (VCV002003428.4), dbSNP rs889373428, ClinGen allele CA339413400.